The following is an entry in ClinVar:

NM_005051.3(QARS1):c.571-3C>G

Gene: QARS1 (glutaminyl-tRNA synthetase 1; minus strand). Cytogenetic location: 3p21.31.
Variant type: single nucleotide variant.
Coding change: c.571-3C>G on transcript NM_005051.3 (MANE Select); 3 bases into the intron before coding-DNA position 571, C replaced by G.
Molecular consequence: intron variant.
Genome position (GRCh38, 1-based): chr3:49,102,268, G>C on the plus strand (C>G on the coding strand, the complement: QARS1 is on the minus strand). VCF-style: chr3-49102268-G-C. GRCh37 (hg19) VCF-style: chr3-49139701-G-C.
Other names: c.538-3C>G (NM_001272073.2).
Identifiers: ClinVar variation 409244 (VCV000409244.5), dbSNP rs1060502309, ClinGen allele CA16611488.
Genomic context (GRCh38, chr3:49,102,268, plus strand): 5'-TCTCCACCACATCCTTTGCCGTCCTCCGGTCTGTTTCTTCTAGCCGAGCTTTTGCCACCT[G>C]AAAGAAGCCCCAGGTGCTTCAGAAAATGGCATCAAATTTTCTCTTGGATAGGGTCTTGGG-3'

ClinVar aggregate classification (germline): Uncertain significance (1 of 4 stars; one submission).

Conditions:
Diffuse cerebral and cerebellar atrophy - intractable seizures - progressive microcephaly syndrome. Also called: Microcephaly, progressive, with seizures and cerebral and cerebellar atrophy. Identifiers: Orphanet 404437, MedGen C4014239, MONDO:0014335, OMIM 615760.

gnomAD v4.1: 4 of 1,614,200 alleles (0.00025%); highest among the groups gnomAD compares: Non-Finnish European, 0.00034%; no homozygotes.

Submission:

Labcorp Genetics (formerly Invitae), Labcorp
Classification: Uncertain significance for Diffuse cerebral and cerebellar atrophy - intractable seizures - progressive microcephaly syndrome. Last evaluated: 2016-11-30. Review status: criteria provided, single submitter. Criteria: Invitae Variant Classification Sherloc (09022015). Collection method: clinical testing. Allele origin: germline.
Comment: In summary, this is a novel intronic change with uncertain impact on splicing. It has been classified as a Variant of Uncertain Significance. Algorithms developed to predict the effect of sequence changes on RNA splicing suggest that this variant may alter RNA splicing, but this prediction has not been confirmed by published transcriptional studies. This variant is not present in population databases (ExAC no frequency) and has not been reported in the literature in individuals with a QARS-related disease. This sequence change falls in intron 6 of the QARS gene. It does not directly change the encoded amino acid sequence of the QARS protein.